The following is an entry in ClinVar:

ClinVar aggregate classification (germline): Uncertain significance (1 of 4 stars; one submission).

Submission:

Quest Diagnostics Nichols Institute San Juan Capistrano
Classification: Uncertain significance. Last evaluated: 2023-05-19. Review status: criteria provided, single submitter. Criteria: Quest Diagnostics criteria. Collection method: clinical testing. Allele origin: unknown.
Comment: To the best of our knowledge, this variant has not been reported in the published literature. It also has not been reported in large, multi-ethnic general populations (Genome Aggregation Database). Analysis of this variant using bioinformatics tools for the prediction of the effect of amino acid changes on protein structure and function yielded conflicting predictions that this variant is benign or damaging. Based on the available information, we are unable to determine the clinical significance of this variant.

NM_000552.5(VWF):c.3901G>A (p.Val1301Met)

Gene: VWF (von Willebrand factor; minus strand). Cytogenetic location: 12p13.31.
Variant type: single nucleotide variant.
Coding change: c.3901G>A on transcript NM_000552.5 (MANE Select); coding-DNA position 3901, G replaced by A.
Protein change: p.Val1301Met; replaces valine 1301 with methionine.
Molecular consequence: missense variant.
Genome position (GRCh38, 1-based): chr12:6,019,517, C>T on the plus strand (G>A on the coding strand, the complement: VWF is on the minus strand). VCF-style: chr12-6019517-C-T. GRCh37 (hg19) VCF-style: chr12-6128683-C-T.
Other names: short protein forms V1301M.
Identifiers: ClinVar variation 2682109 (VCV002682109.1), dbSNP rs1591863382, ClinGen allele CA383506361.
Genomic context (GRCh38, chr12:6,019,517, plus strand): 5'-ACTCCACCACGGCCACGCGGACCCACTTCTGGGAGATGCGCAGCCGCTCCATCATGTCCA[C>T]CACAAAGGCCTTCAGCACTTCAAACTCAGCCTCGGACAGCCTGGAGGAGCCATCCAGCAG-3'
Protein context (NP_000543.3, residues 1291-1311): AEFEVLKAFV[Val1301Met]DMMERLRISQ